The following is an entry in ClinVar:

NM_033380.3(COL4A5):c.146A>G (p.Glu49Gly)

Gene: COL4A5 (collagen type IV alpha 5 chain; plus strand). Cytogenetic location: Xq22.3.
Variant type: single nucleotide variant.
Coding change: c.146A>G on transcript NM_033380.3 (MANE Select); coding-DNA position 146, A replaced by G.
Protein change: p.Glu49Gly; replaces glutamic acid 49 with glycine.
Molecular consequence: missense variant.
Genome position (GRCh38, 1-based): chrX:108,559,068, A>G. VCF-style: chrX-108559068-A-G. GRCh37 (hg19) VCF-style: chrX-107802298-A-G.
Other names: ATS1; c.146A>G, p.Glu49Gly (NM_000495.5); short protein forms E49G.
Identifiers: ClinVar variation 591785 (VCV000591785.2), dbSNP rs1569486475, ClinGen allele CA413913816.

ClinVar aggregate classification (germline): Uncertain significance. Review status: criteria provided, single submitter (1 of 4 stars). 2 submissions from 2 submitters: Uncertain significance (1). 1 of the submissions does not count toward it. Last evaluated 2024-12-25.

Conditions:
X-linked Alport syndrome (ATS1). Also called: NEPHROPATHY AND DEAFNESS, X-LINKED; COL4A5-Related Nephropathy. Identifiers: Orphanet 63, Orphanet 88917, MedGen C4746986, MONDO:0010520, OMIM 301050.

Allele frequency attached by ClinVar (database versions not stated): TOPMed 0.00001.

Submissions (2):

Laboratory of Prof. Karen Avraham, Tel Aviv University
Classification: Uncertain significance for X-linked Alport syndrome. Last evaluated: 2024-12-25. Review status: criteria provided, single submitter. Criteria: ACMG Guidelines, 2015. Collection method: research. Allele origin: germline. Affected: yes. Observed: 1 variant allele.
Comment: The COL4A5 c.146A>G:p.(Glu49Gly) variant is predicted deleterious and not found in gnomAD.

Gharavi Laboratory, Columbia University
Classification: Uncertain significance. Last evaluated: 2018-09-16. Review status: no assertion criteria provided. Criteria: ACMG Guidelines, 2015. Collection method: research. Allele origin: germline. Affected: yes. Not counted in ClinVar's aggregate classification.